The following is an entry in ClinVar:

NM_001042492.3(NF1):c.7378T>C (p.Ser2460Pro)

Gene: NF1 (neurofibromin 1; plus strand). Cytogenetic location: 17q11.2.
Variant type: single nucleotide variant.
Coding change: c.7378T>C on transcript NM_001042492.3 (MANE Select); coding-DNA position 7378, T replaced by C.
Protein change: p.Ser2460Pro; replaces serine 2460 with proline.
Molecular consequence: missense variant.
Genome position (GRCh38, 1-based): chr17:31,350,239, T>C. VCF-style: chr17-31350239-T-C. GRCh37 (hg19) VCF-style: chr17-29677257-T-C.
Other names: c.7315T>C, p.Ser2439Pro (NM_000267.4); short protein forms S2460P, S2439P.
Identifiers: ClinVar variation 3404742 (VCV003404742.1).

ClinVar aggregate classification (germline): Uncertain significance (1 of 4 stars; one submission).

Conditions:
Hereditary cancer-predisposing syndrome. Also called: Hereditary Cancer Syndrome; Tumor predisposition; Hereditary neoplastic syndrome; Neoplastic Syndromes, Hereditary. Identifiers: Orphanet 140162, MedGen C0027672, MeSH D009386, MONDO:0015356.
Cardiovascular phenotype. Identifiers: MedGen CN230736.

Submission:

Ambry Genetics
Classification: Uncertain significance for Cardiovascular phenotype; Hereditary cancer-predisposing syndrome. Last evaluated: 2024-09-12. Review status: criteria provided, single submitter. Criteria: Ambry Variant Classification Scheme 2023. Collection method: clinical testing. Allele origin: germline.
Comment: The p.S2439P variant (also known as c.7315T>C), located in coding exon 49 of the NF1 gene, results from a T to C substitution at nucleotide position 7315. The serine at codon 2439 is replaced by proline, an amino acid with similar properties. This amino acid position is conserved. In addition, the in silico prediction for this alteration is inconclusive. Based on the available evidence, the clinical significance of this variant remains unclear.